The following is an entry in ClinVar:

NM_001005242.3(PKP2):c.*281A>G

Gene: PKP2 (plakophilin 2; minus strand). Cytogenetic location: 12p11.21.
Variant type: single nucleotide variant.
Coding change: c.*281A>G on transcript NM_001005242.3 (MANE Select); 281 bases downstream of the stop codon, A replaced by G.
Molecular consequence: 3 prime UTR variant.
Genome position (GRCh38, 1-based): chr12:32,792,143, T>C on the plus strand (A>G on the coding strand, the complement: PKP2 is on the minus strand). VCF-style: chr12-32792143-T-C. GRCh37 (hg19) VCF-style: chr12-32945077-T-C.
Other names: c.*281A>G (NM_004572.4).
Identifiers: ClinVar variation 308495 (VCV000308495.6), dbSNP rs78540632, ClinGen allele CA10641076.
Genomic context (GRCh38, chr12:32,792,143, plus strand): 5'-TAAAATCCCAGTAATGCAACAGCTTCTTTCCTTATTTATTGGATTAATGTCCCTTCCACA[T>C]GAATTCACATTTTGATTCCAGGAAGCCATGTACCATAAGCCCTAATAACAAAGACCACTA-3'

ClinVar aggregate classification (germline): Likely benign. Review status: criteria provided, multiple submitters, no conflicts (2 of 4 stars). 2 submissions from 2 submitters: Likely benign (2). Last evaluated 2018-01-13.

Conditions:
Arrhythmogenic right ventricular dysplasia 9 (ARVD9). Also called: Arrhythmogenic Right Ventricular Dysplasia/Cardiomyopathy 9; ARRHYTHMOGENIC RIGHT VENTRICULAR DYSPLASIA, FAMILIAL, 9. Identifiers: MedGen C1836906, MONDO:0012180, OMIM 609040.

Allele frequency attached by ClinVar (database versions not stated): gnomAD 0.00463 and 0.00483; 1000 Genomes Project 30x 0.00297; TOPMed 0.00447; 1000 Genomes Project 0.00319.

Submissions (2):

Illumina Laboratory Services, Illumina
Classification: Likely benign for Arrhythmogenic right ventricular dysplasia 9. Last evaluated: 2018-01-13. Review status: criteria provided, single submitter. Criteria: ICSL Variant Classification Criteria 13 December 2019. Collection method: clinical testing. Allele origin: germline.
Comment: This variant was observed in the ICSL laboratory as part of a predisposition screen in an ostensibly healthy population. It had not been previously curated by ICSL or reported in the Human Gene Mutation Database (HGMD: prior to June 1st, 2018), and was therefore a candidate for classification through an automated scoring system. Utilizing variant allele frequency, disease prevalence and penetrance estimates, and inheritance mode, an automated score was calculated to assess if this variant is too frequent to cause the disease. Based on the score and internal cut-off values, a variant classified as likely benign is not then subjected to further curation. The score for this variant resulted in a classification of likely benign for this disease.

Breakthrough Genomics
Classification: Likely benign. Review status: criteria provided, single submitter. Criteria: ACMG Guidelines, 2015. Collection method: not provided. Allele origin: germline. Inheritance: Autosomal dominant inheritance. Affected: yes.